The following is an entry in ClinVar:

ClinVar aggregate classification (germline): Conflicting classifications of pathogenicity. Review status: criteria provided, conflicting classifications (1 of 4 stars). 5 submissions from 5 submitters: Uncertain significance (4); Likely benign (1). Last evaluated 2024-12-09.

Conditions:
Prostate cancer. Also called: Malignant tumor of prostate. Identifiers: Orphanet 1331, MedGen C0376358, MONDO:0008315, HP:0012125.
Medulloblastoma (MDB). Also called: MEDULLOBLASTOMA PREDISPOSITION SYNDROME; Medulloblastoma, somatic. Identifiers: Orphanet 616, MedGen C0025149, MeSH D008527, MONDO:0007959, OMIM 155255, HP:0002885.
Familial cancer of breast. Also called: BREAST CANCER, FAMILIAL; Hereditary breast cancer; hereditary breast carcinoma. Identifiers: Orphanet 227535, MedGen C0346153, MONDO:0016419, OMIM 114480. Disease mechanism: loss of function.
Breast-ovarian cancer, familial, susceptibility to, 2 (BROVCA2). Also called: BRCA2 Hereditary Breast and Ovarian Cancer. Identifiers: Orphanet 145, MedGen C2675520, MONDO:0012933, OMIM 612555. Disease mechanism: loss of function.
Fanconi anemia complementation group D1. Also called: BRCA2-Related Fanconi Anemia. Identifiers: Orphanet 319462, MedGen C1838457, MONDO:0011584, OMIM 605724.
Wilms tumor 1 (WT1). Also called: Wilms tumor, somatic. Identifiers: Orphanet 654, MedGen CN033288, MONDO:0008679, OMIM 194070.
Pancreatic cancer, susceptibility to, 2. Identifiers: Orphanet 1333, MedGen C3150546, MONDO:0013235, OMIM 613347.
Glioma susceptibility 3 (GLM3). Also called: Glioblastoma 3. Identifiers: Orphanet 182067, Orphanet 360, MedGen C2751641, MONDO:0013093, OMIM 613029.
Hereditary breast ovarian cancer syndrome. Also called: Hereditary breast and ovarian cancer syndrome; Breast and ovarian cancer; Hereditary breast and/or ovarian cancer syndrome; Hereditary breast and ovarian cancer syndrome (HBOC); BRCA1- and BRCA2-Associated Hereditary Breast and Ovarian Cancer; Hereditary breast and ovarian cancer. Identifiers: Orphanet 145, MedGen C0677776, MeSH D061325, MONDO:0003582. Disease mechanism: loss of function.
Hereditary cancer-predisposing syndrome. Also called: Hereditary Cancer Syndrome; Hereditary neoplastic syndrome; Neoplastic Syndromes, Hereditary; Tumor predisposition. Identifiers: Orphanet 140162, MedGen C0027672, MeSH D009386, MONDO:0015356.

gnomAD v4.1: 2 of 1,594,138 alleles (0.00013%); highest among the groups gnomAD compares: Non-Finnish European, 0.00017%; no homozygotes.

Submissions (5):

Ambry Genetics
Classification: Uncertain significance for Hereditary cancer-predisposing syndrome. Last evaluated: 2024-12-09. Review status: criteria provided, single submitter. Criteria: Ambry Variant Classification Scheme 2023. Collection method: clinical testing. Allele origin: germline.
Comment: The p.F506S variant (also known as c.1517T>C), located in coding exon 9 of the BRCA2 gene, results from a T to C substitution at nucleotide position 1517. The phenylalanine at codon 506 is replaced by serine, an amino acid with highly dissimilar properties. This amino acid position is not well conserved in available vertebrate species. In addition, the in silico prediction for this alteration is inconclusive. Since supporting evidence is limited at this time, the clinical significance of this alteration remains unclear.

Labcorp Genetics (formerly Invitae), Labcorp
Classification: Uncertain significance for Hereditary breast ovarian cancer syndrome. Last evaluated: 2024-04-24. Review status: criteria provided, single submitter. Criteria: Invitae Variant Classification Sherloc (09022015). Collection method: clinical testing. Allele origin: germline.
Comment: This sequence change replaces phenylalanine, which is neutral and non-polar, with serine, which is neutral and polar, at codon 506 of the BRCA2 protein (p.Phe506Ser). This variant is not present in population databases (gnomAD no frequency). This variant has not been reported in the literature in individuals affected with BRCA2-related conditions. ClinVar contains an entry for this variant (Variation ID: 531316). Advanced modeling of protein sequence and biophysical properties (such as structural, functional, and spatial information, amino acid conservation, physicochemical variation, residue mobility, and thermodynamic stability) performed at Invitae indicates that this missense variant is not expected to disrupt BRCA2 protein function with a negative predictive value of 95%. In summary, the available evidence is currently insufficient to determine the role of this variant in disease. Therefore, it has been classified as a Variant of Uncertain Significance.

University of Washington Department of Laboratory Medicine, University of Washington
Classification: Likely benign for Hereditary cancer-predisposing syndrome. Last evaluated: 2023-03-23. Review status: criteria provided, single submitter. Criteria: Dines et al. (Genet Med. 2020). Collection method: curation. Allele origin: germline.
Comment: Missense variant in a coldspot region where missense variants are very unlikely to be pathogenic (PMID:31911673).

BRCA2 exon 10 coldspot. Reclassification based on statistical prior probability.

Fulgent Genetics
Classification: Uncertain significance for Familial cancer of breast; Medulloblastoma; Familial prostate cancer; Wilms tumor 1; Fanconi anemia complementation group D1; Breast-ovarian cancer, familial, susceptibility to, 2; Glioma susceptibility 3; Pancreatic cancer, susceptibility to, 2. Last evaluated: 2022-05-16. Review status: criteria provided, single submitter. Criteria: ACMG Guidelines, 2015. Collection method: clinical testing. Allele origin: unknown.

GeneDx
Classification: Uncertain significance. Last evaluated: 2020-09-28. Review status: criteria provided, single submitter. Criteria: GeneDx Variant Classification Process June 2021. Collection method: clinical testing. Allele origin: germline. Affected: yes.
Comment: Not observed in large population cohorts (Lek 2016); In silico analysis supports that this missense variant does not alter protein structure/function; Has not been previously published as pathogenic or benign to our knowledge; Also known as 1745T>C

NM_000059.4(BRCA2):c.1517T>C (p.Phe506Ser)

Gene: BRCA2 (BRCA2 DNA repair associated; plus strand). Cytogenetic location: 13q13.1.
Variant type: single nucleotide variant.
Coding change: c.1517T>C on transcript NM_000059.4 (MANE Select); coding-DNA position 1517, T replaced by C.
Protein change: p.Phe506Ser; replaces phenylalanine 506 with serine.
Molecular consequence: missense variant.
Genome position (GRCh38, 1-based): chr13:32,332,995, T>C. VCF-style: chr13-32332995-T-C. GRCh37 (hg19) VCF-style: chr13-32907132-T-C.
Other names: short protein forms F506S.
Identifiers: ClinVar variation 531316 (VCV000531316.19), dbSNP rs1249900164, ClinGen allele CA387764543.